The following is an entry in ClinVar:

NM_194277.3(FRMD7):c.455A>G (p.Asp152Gly)

Gene: FRMD7 (FERM domain containing 7; minus strand). Cytogenetic location: Xq26.2.
Variant type: single nucleotide variant.
Coding change: c.455A>G on transcript NM_194277.3 (MANE Select); coding-DNA position 455, A replaced by G.
Protein change: p.Asp152Gly; replaces aspartic acid 152 with glycine.
Molecular consequence: missense variant.
Genome position (GRCh38, 1-based): chrX:132,085,962, T>C on the plus strand (A>G on the coding strand, the complement: FRMD7 is on the minus strand). VCF-style: chrX-132085962-T-C. GRCh37 (hg19) VCF-style: chrX-131219990-T-C.
Other names: c.410A>G, p.Asp137Gly (NM_001306193.2); short protein forms D137G, D152G.
Identifiers: ClinVar variation 1933057 (VCV001933057.5), dbSNP rs1445508249, ClinGen allele CA414681368.

ClinVar aggregate classification (germline): Uncertain significance (1 of 4 stars; one submission).

Allele frequency attached by ClinVar (database versions not stated): gnomAD exomes below 0.00001; TOPMed below 0.00001; gnomAD 0.00002.
gnomAD v4.1: 3 of 1,205,755 alleles (0.00025%); highest among the groups gnomAD compares: African/African-American, 0.0053%; no homozygotes.

Submission:

Labcorp Genetics (formerly Invitae), Labcorp
Classification: Uncertain significance. Last evaluated: 2022-06-24. Review status: criteria provided, single submitter. Criteria: Invitae Variant Classification Sherloc (09022015). Collection method: clinical testing. Allele origin: germline.
Comment: In summary, the available evidence is currently insufficient to determine the role of this variant in disease. Therefore, it has been classified as a Variant of Uncertain Significance. Algorithms developed to predict the effect of missense changes on protein structure and function (SIFT, PolyPhen-2, Align-GVGD) all suggest that this variant is likely to be tolerated. This variant has not been reported in the literature in individuals affected with FRMD7-related conditions. This variant is present in population databases (no rsID available, gnomAD 0.02%), including at least one homozygous and/or hemizygous individual. This sequence change replaces aspartic acid, which is acidic and polar, with glycine, which is neutral and non-polar, at codon 152 of the FRMD7 protein (p.Asp152Gly).